The following is an entry in ClinVar:

NM_004484.4(GPC3):c.1663C>T (p.Leu555Phe)

Gene: GPC3 (glypican 3; minus strand). Cytogenetic location: Xq26.2.
Variant type: single nucleotide variant.
Coding change: c.1663C>T on transcript NM_004484.4 (MANE Select); coding-DNA position 1663, C replaced by T.
Protein change: p.Leu555Phe; replaces leucine 555 with phenylalanine.
Molecular consequence: missense variant.
Genome position (GRCh38, 1-based): chrX:133,536,204, G>A on the plus strand (C>T on the coding strand, the complement: GPC3 is on the minus strand). VCF-style: chrX-133536204-G-A. GRCh37 (hg19) VCF-style: chrX-132670232-G-A.
Other names: c.1732C>T, p.Leu578Phe (NM_001164617.2); c.1615C>T, p.Leu539Phe (NM_001164618.2); c.1501C>T, p.Leu501Phe (NM_001164619.2); short protein forms L501F, L555F, L539F, L578F.
Identifiers: ClinVar variation 862165 (VCV000862165.8), dbSNP rs990733015, ClinGen allele CA335966668.

ClinVar aggregate classification (germline): Uncertain significance (1 of 4 stars; one submission).

Conditions:
Wilms tumor 1 (WT1). Also called: Wilms tumor, somatic. Identifiers: Orphanet 654, MedGen CN033288, MONDO:0008679, OMIM 194070.

Allele frequency attached by ClinVar (database versions not stated): gnomAD exomes below 0.00001.

Submission:

Labcorp Genetics (formerly Invitae), Labcorp
Classification: Uncertain significance for Wilms tumor 1. Last evaluated: 2022-12-02. Review status: criteria provided, single submitter. Criteria: Invitae Variant Classification Sherloc (09022015). Collection method: clinical testing. Allele origin: germline.
Comment: In summary, the available evidence is currently insufficient to determine the role of this variant in disease. Therefore, it has been classified as a Variant of Uncertain Significance. Algorithms developed to predict the effect of missense changes on protein structure and function (SIFT, PolyPhen-2, Align-GVGD) all suggest that this variant is likely to be tolerated. ClinVar contains an entry for this variant (Variation ID: 862165). This variant has not been reported in the literature in individuals affected with GPC3-related conditions. This variant is not present in population databases (gnomAD no frequency). This sequence change replaces leucine, which is neutral and non-polar, with phenylalanine, which is neutral and non-polar, at codon 555 of the GPC3 protein (p.Leu555Phe).